The following is an entry in ClinVar:

NM_001365999.1(SZT2):c.9187C>G (p.Leu3063Val)

Gene: SZT2 (SZT2 subunit of KICSTOR complex; plus strand). Cytogenetic location: 1p34.2.
Variant type: single nucleotide variant.
Coding change: c.9187C>G on transcript NM_001365999.1 (MANE Select); coding-DNA position 9187, C replaced by G.
Protein change: p.Leu3063Val; replaces leucine 3063 with valine.
Molecular consequence: missense variant.
Genome position (GRCh38, 1-based): chr1:43,447,069, C>G. VCF-style: chr1-43447069-C-G. GRCh37 (hg19) VCF-style: chr1-43912740-C-G.
Other names: c.9016C>G, p.Leu3006Val (NM_015284.4); short protein forms L3063V, L3006V.
Identifiers: ClinVar variation 956461 (VCV000956461.9), dbSNP rs1173281984, ClinGen allele CA340042455.

ClinVar aggregate classification (germline): Uncertain significance (1 of 4 stars; one submission).

Allele frequency attached by ClinVar (database versions not stated): gnomAD exomes below 0.00001; TOPMed 0.00001.
gnomAD v4.1: 1 of 1,614,008 alleles (0.000062%); highest among the groups gnomAD compares: East Asian, 0.0022%; no homozygotes.

Submission:

Labcorp Genetics (formerly Invitae), Labcorp
Classification: Uncertain significance. Last evaluated: 2019-10-18. Review status: criteria provided, single submitter. Criteria: Invitae Variant Classification Sherloc (09022015). Collection method: clinical testing. Allele origin: germline.
Comment: This variant has not been reported in the literature in individuals with SZT2-related conditions. This variant is not present in population databases (ExAC no frequency). This sequence change replaces leucine with valine at codon 3006 of the SZT2 protein (p.Leu3006Val). The leucine residue is highly conserved and there is a small physicochemical difference between leucine and valine. Algorithms developed to predict the effect of missense changes on protein structure and function (SIFT, PolyPhen-2, Align-GVGD) all suggest that this variant is likely to be tolerated, but these predictions have not been confirmed by published functional studies and their clinical significance is uncertain. In summary, the available evidence is currently insufficient to determine the role of this variant in disease. Therefore, it has been classified as a Variant of Uncertain Significance.